The following is an entry in ClinVar:

NM_000338.3(SLC12A1):c.1216-1G>A

Gene: SLC12A1 (solute carrier family 12 member 1; plus strand). Cytogenetic location: 15q21.1.
Variant type: single nucleotide variant.
Coding change: c.1216-1G>A on transcript NM_000338.3 (MANE Select); the canonical splice acceptor site of the intron before coding-DNA position 1216, G replaced by A.
Molecular consequence: splice acceptor variant.
Genome position (GRCh38, 1-based): chr15:48,241,514, G>A. VCF-style: chr15-48241514-G-A. GRCh37 (hg19) VCF-style: chr15-48533711-G-A.
Other names: c.1216-1G>A (NM_001384136.1, NM_001184832.2).
Identifiers: ClinVar variation 2872821 (VCV002872821.4), dbSNP rs1257912563, ClinGen allele CA392309692.

ClinVar aggregate classification (germline): Likely pathogenic (1 of 4 stars; one submission).

Allele frequency attached by ClinVar (database versions not stated): gnomAD 0.00001; gnomAD exomes 0.00001.
gnomAD v4.1: 8 of 1,609,788 alleles (0.0005%); highest among the groups gnomAD compares: Admixed American, 0.0017%; no homozygotes.

Submission:

Labcorp Genetics (formerly Invitae), Labcorp
Classification: Likely pathogenic. Last evaluated: 2023-09-23. Review status: criteria provided, single submitter. Criteria: Invitae Variant Classification Sherloc (09022015). Collection method: clinical testing. Allele origin: germline.
Comment: This sequence change affects an acceptor splice site in intron 9 of the SLC12A1 gene. It is expected to disrupt RNA splicing. Variants that disrupt the donor or acceptor splice site typically lead to a loss of protein function (PMID: 16199547), and loss-of-function variants in SLC12A1 are known to be pathogenic (PMID: 8640224, 9585600, 19096086). In summary, the currently available evidence indicates that the variant is pathogenic, but additional data are needed to prove that conclusively. Therefore, this variant has been classified as Likely Pathogenic. Algorithms developed to predict the effect of sequence changes on RNA splicing suggest that this variant may disrupt the consensus splice site. This variant has not been reported in the literature in individuals affected with SLC12A1-related conditions. This variant is present in population databases (no rsID available, gnomAD 0.0009%).

Literature cited by the submitters: PubMed 16199547; PubMed 8640224; PubMed 9585600; PubMed 19096086.